The following is an entry in ClinVar:

NM_203446.3(SYNJ1):c.2744T>C (p.Ile915Thr)

Gene: SYNJ1 (synaptojanin 1; minus strand). Cytogenetic location: 21q22.11.
Variant type: single nucleotide variant.
Coding change: c.2744T>C on transcript NM_203446.3 (MANE Select); coding-DNA position 2744, T replaced by C.
Protein change: p.Ile915Thr; replaces isoleucine 915 with threonine.
Molecular consequence: missense variant.
Genome position (GRCh38, 1-based): chr21:32,656,738, A>G on the plus strand (T>C on the coding strand, the complement: SYNJ1 is on the minus strand). VCF-style: chr21-32656738-A-G. GRCh37 (hg19) VCF-style: chr21-34029048-A-G.
Other names: c.2744T>C, p.Ile915Thr (NM_001160302.2); c.2729T>C, p.Ile910Thr (NM_001160306.2); c.2861T>C, p.Ile954Thr (NM_003895.4); short protein forms I954T, I910T, I915T.
Identifiers: ClinVar variation 578766 (VCV000578766.8), dbSNP rs867564053, ClinGen allele CA319425786.

ClinVar aggregate classification (germline): Uncertain significance. Review status: criteria provided, multiple submitters, no conflicts (2 of 4 stars). 2 submissions from 2 submitters: Uncertain significance (2). Last evaluated 2022-02-05.

Conditions:
Inborn genetic diseases. Identifiers: MedGen C0950123, MeSH D030342.
Developmental and epileptic encephalopathy, 53. Also called: Epileptic encephalopathy, early infantile, 53. Identifiers: MedGen C4479313, MONDO:0033362, OMIM 617389.
Early-onset Parkinson disease 20. Also called: PARKINSON DISEASE 20, AUTOSOMAL RECESSIVE EARLY-ONSET. Identifiers: Orphanet 391411, MedGen C3809824, MONDO:0014233, OMIM 615530.

Allele frequency attached by ClinVar (database versions not stated): gnomAD 0.00001; TOPMed 0.00001.
gnomAD v4.1: 2 of 1,613,982 alleles (0.00012%); highest among the groups gnomAD compares: African/African-American, 0.0027%; no homozygotes.

Submissions (2):

Labcorp Genetics (formerly Invitae), Labcorp
Classification: Uncertain significance for Developmental and epileptic encephalopathy, 53; Early-onset Parkinson disease 20. Last evaluated: 2022-02-05. Review status: criteria provided, single submitter. Criteria: Invitae Variant Classification Sherloc (09022015). Collection method: clinical testing. Allele origin: germline.
Comment: In summary, the available evidence is currently insufficient to determine the role of this variant in disease. Therefore, it has been classified as a Variant of Uncertain Significance. Algorithms developed to predict the effect of missense changes on protein structure and function are either unavailable or do not agree on the potential impact of this missense change (SIFT: "Deleterious"; PolyPhen-2: "Probably Damaging"; Align-GVGD: "Class C15"). ClinVar contains an entry for this variant (Variation ID: 578766). This variant has not been reported in the literature in individuals affected with SYNJ1-related conditions. This variant is present in population databases (no rsID available, gnomAD 0.01%). This sequence change replaces isoleucine, which is neutral and non-polar, with threonine, which is neutral and polar, at codon 954 of the SYNJ1 protein (p.Ile954Thr).

Ambry Genetics
Classification: Uncertain significance for Inborn genetic diseases. Last evaluated: 2021-10-06. Review status: criteria provided, single submitter. Criteria: Ambry Variant Classification Scheme 2023. Collection method: clinical testing. Allele origin: germline.